The following is an entry in ClinVar:

NM_000625.4(NOS2):c.1155C>T (p.Asp385=)

Gene: NOS2 (nitric oxide synthase 2; minus strand). Cytogenetic location: 17q11.2.
Variant type: single nucleotide variant.
Coding change: c.1155C>T on transcript NM_000625.4 (MANE Select); coding-DNA position 1155, C replaced by T.
Protein change: p.Asp385=; no amino-acid change (aspartic acid 385 retained).
Molecular consequence: synonymous variant.
Genome position (GRCh38, 1-based): chr17:27,778,906, G>A on the plus strand (C>T on the coding strand, the complement: NOS2 is on the minus strand). VCF-style: chr17-27778906-G-A. GRCh37 (hg19) VCF-style: chr17-26105932-G-A.
Identifiers: ClinVar variation 2688251 (VCV002688251.4), dbSNP rs1137933, ClinGen allele CA8454823.

ClinVar aggregate classification (germline): Benign. Review status: criteria provided, single submitter (1 of 4 stars). 2 submissions from 2 submitters: Benign (1). 1 of the submissions does not count toward it. Last evaluated 2024-01-24.

Conditions:
NOS2-related disorder. Also called: NOS2-related condition.

Allele frequency attached by ClinVar (database versions not stated): 1000 Genomes Project 30x 0.19222; 1000 Genomes Project 0.19449; gnomAD 0.20514; TOPMed 0.20615; ExAC 0.20698; ESP Exome Variant Server 0.21252; gnomAD exomes 0.21611.
gnomAD v4.1: 345,549 of 1,606,554 alleles (22%); highest among the groups gnomAD compares: Middle Eastern, 24%; 38,212 homozygotes.

Submissions (2):

Unidad de Genómica Garrahan, Hospital de Pediatría Garrahan
Classification: Benign. Last evaluated: 2024-01-24. Review status: criteria provided, single submitter. Criteria: ACMG Guidelines, 2015. Collection method: clinical testing. Allele origin: germline. Affected: no. Observed: 28 variant alleles.
Comment: This variant is classified as Benign based on local population frequency. This variant was detected in 29% of patients studied by a panel of primary immunodeficiencies. Number of patients: 28. Only high quality variants are reported.

PreventionGenetics, part of Exact Sciences
Classification: Benign for NOS2-related condition. Last evaluated: 2019-10-22. Review status: no assertion criteria provided. Collection method: clinical testing. Allele origin: germline. Not counted in ClinVar's aggregate classification.
Comment: This variant is classified as benign based on ACMG/AMP sequence variant interpretation guidelines (Richards et al. 2015 PMID: 25741868, with internal and published modifications).